The following is an entry in ClinVar:

ClinVar aggregate classification (germline): Uncertain significance. Review status: criteria provided, single submitter (1 of 4 stars). 2 submissions from 2 submitters: Uncertain significance (1). 1 of the submissions does not count toward it. Last evaluated 2020-06-27.

Conditions:
Pyruvate dehydrogenase E1-alpha deficiency (PDHAD). Also called: ATAXIA, INTERMITTENT, WITH PYRUVATE DEHYDROGENASE DEFICIENCY; ATAXIA WITH LACTIC ACIDOSIS I; ATAXIA, INTERMITTENT, WITH ABNORMAL PYRUVATE METABOLISM; Ataxia, intermittent, with pyruvate dehydrogenase, or decarboxylase, deficiency. Identifiers: Orphanet 79243, MedGen C1839413, MONDO:0010717, OMIM 312170.

Submissions (2):

Baylor Genetics
Classification: Uncertain significance for Pyruvate dehydrogenase E1-alpha deficiency. Last evaluated: 2020-06-27. Review status: criteria provided, single submitter. Criteria: ACMG Guidelines, 2015. Collection method: clinical testing. Allele origin: unknown. Affected: yes.
Comment: This variant was determined to be of uncertain significance according to ACMG Guidelines, 2015 [PMID:25741868].

PDHA1 Study Group, University Children’s Hospital, Paracelsus Medical University
Classification: Likely pathogenic for Pyruvate dehydrogenase E1-alpha deficiency. Last evaluated: 2024-10-15. Review status: no assertion criteria provided. Collection method: research. Allele origin: inherited. Affected: yes. Observed: 2 variant alleles. Not counted in ClinVar's aggregate classification.
Comment: The NM_000284.3:c.821G>C (p.Arg274Thr) substitution is a missense variant in PDHA1 gene. In total, 2 individuals were diagnosed with PDHA1-related Pyruvate dehydrogenase complex (PDHc) deficiency (MIM #312170). Among them, 1 were confirmed inherited. The variant has been reported in 2 published cases (PMIDs: 33592356). Last literature search: July 12, 2024. This variant is absent or extremely rare in population-based cohorts in the Genome Aggregation Database (gnomAD). Individuals harboring this variant presented with clinical features compatible with PDHA1-related PDHc deficiency. In summary, this variant meets criteria to be classified as likely pathogenic (LP) for PDHA1-related PDHc deficiency based on the ACMG/AMP criteria applied: PS3, PM2, PP3 (last assessment October 15, 2024).

Literature cited by the submitters: PubMed 33592356 (cited by PDHA1 Study Group, University Children’s Hospital, Paracelsus Medical University); DOI 10.1093/brain/awaf430 (cited by PDHA1 Study Group, University Children’s Hospital, Paracelsus Medical University).

NM_000284.4(PDHA1):c.821G>C (p.Arg274Thr)

Gene: PDHA1 (pyruvate dehydrogenase E1 subunit alpha 1; plus strand). Cytogenetic location: Xp22.12.
Variant type: single nucleotide variant.
Coding change: c.821G>C on transcript NM_000284.4 (MANE Select); coding-DNA position 821, G replaced by C.
Protein change: p.Arg274Thr; replaces arginine 274 with threonine.
Molecular consequence: missense variant.
Genome position (GRCh38, 1-based): chrX:19,355,747, G>C. VCF-style: chrX-19355747-G-C. GRCh37 (hg19) VCF-style: chrX-19373865-G-C.
Other names: c.935G>C, p.Arg312Thr (NM_001173454.2); c.842G>C, p.Arg281Thr (NM_001173455.2); c.728G>C, p.Arg243Thr (NM_001173456.2); short protein forms R274T, R243T, R312T, R281T.
Identifiers: ClinVar variation 1028667 (VCV001028667.2), dbSNP rs2063192867, ClinGen allele CA412394846.